The following is an entry in ClinVar:

ClinVar aggregate classification (germline): Uncertain significance (1 of 4 stars; one submission).

Conditions:
Hereditary cancer-predisposing syndrome. Also called: Neoplastic Syndromes, Hereditary; Tumor predisposition; Hereditary Cancer Syndrome; Hereditary neoplastic syndrome. Identifiers: Orphanet 140162, MedGen C0027672, MeSH D009386, MONDO:0015356.

Submission:

Ambry Genetics
Classification: Uncertain significance for Hereditary cancer-predisposing syndrome. Last evaluated: 2024-09-26. Review status: criteria provided, single submitter. Criteria: Ambry Variant Classification Scheme 2023. Collection method: clinical testing. Allele origin: germline.
Comment: The p.F2762L variant (also known as c.8284T>C), located in coding exon 15 of the APC gene, results from a T to C substitution at nucleotide position 8284. The phenylalanine at codon 2762 is replaced by leucine, an amino acid with highly similar properties. This amino acid position is conserved. In addition, in silico predictors for this gene do not accurately predict pathogenicity. Based on the available evidence, the clinical significance of this variant remains unclear.

NM_000038.6(APC):c.8284T>C (p.Phe2762Leu)

Gene: APC (APC regulator of Wnt signaling pathway; plus strand). Cytogenetic location: 5q22.2.
Variant type: single nucleotide variant.
Coding change: c.8284T>C on transcript NM_000038.6 (MANE Select); coding-DNA position 8284, T replaced by C.
Protein change: p.Phe2762Leu; replaces phenylalanine 2762 with leucine.
Molecular consequence: missense variant. On other transcripts: non-coding transcript variant (2).
Genome position (GRCh38, 1-based): chr5:112,843,878, T>C. VCF-style: chr5-112843878-T-C. GRCh37 (hg19) VCF-style: chr5-112179575-T-C.
Other names: c.8284T>C, p.Phe2762Leu (NM_001127510.3, NM_001354895.2, NM_001407450.1); c.8230T>C, p.Phe2744Leu (NM_001127511.3); c.8338T>C, p.Phe2780Leu (NM_001354896.2, NM_001407447.1, NM_001407448.1 and 1 more transcripts); c.8314T>C, p.Phe2772Leu (NM_001354897.2); c.8209T>C, p.Phe2737Leu (NM_001354898.2); c.8200T>C, p.Phe2734Leu (NM_001354899.2); c.8161T>C, p.Phe2721Leu (NM_001354900.2); c.8107T>C, p.Phe2703Leu (NM_001354901.2, NM_001407453.1); and 11 more; short protein forms F2378L, F2479L, F2661L, F2737L, F2755L, F2780L, F2790L, F2703L.
Identifiers: ClinVar variation 3411389 (VCV003411389.1).